The following is an entry in ClinVar:

ClinVar aggregate classification (germline): Uncertain significance (1 of 4 stars; one submission).

Allele frequency attached by ClinVar (database versions not stated): TOPMed 0.00001; ExAC 0.00021.
gnomAD v4.1: 4 of 1,498,444 alleles (0.00027%); highest among the groups gnomAD compares: Admixed American, 0.0021%; no homozygotes.

Submission:

Labcorp Genetics (formerly Invitae), Labcorp
Classification: Uncertain significance. Last evaluated: 2023-07-17. Review status: criteria provided, single submitter. Criteria: Invitae Variant Classification Sherloc (09022015). Collection method: clinical testing. Allele origin: germline.
Comment: This sequence change replaces threonine, which is neutral and polar, with methionine, which is neutral and non-polar, at codon 1113 of the APC2 protein (p.Thr1113Met). The frequency data for this variant in the population databases is considered unreliable, as metrics indicate poor data quality at this position in the gnomAD database. This variant has not been reported in the literature in individuals affected with APC2-related conditions. ClinVar contains an entry for this variant (Variation ID: 1976286). An algorithm developed to predict the effect of missense changes on protein structure and function (PolyPhen-2) suggests that this variant is likely to be tolerated. In summary, the available evidence is currently insufficient to determine the role of this variant in disease. Therefore, it has been classified as a Variant of Uncertain Significance.

NM_005883.3(APC2):c.3338C>T (p.Thr1113Met)

Gene: APC2 (APC regulator of Wnt signaling pathway 2; plus strand). Cytogenetic location: 19p13.3.
Variant type: single nucleotide variant.
Coding change: c.3338C>T on transcript NM_005883.3 (MANE Select); coding-DNA position 3338, C replaced by T.
Protein change: p.Thr1113Met; replaces threonine 1113 with methionine.
Molecular consequence: missense variant.
Genome position (GRCh38, 1-based): chr19:1,466,639, C>T. VCF-style: chr19-1466639-C-T. GRCh37 (hg19) VCF-style: chr19-1466638-C-T.
Other names: c.3335C>T, p.Thr1112Met (NM_001351273.1); short protein forms T1112M, T1113M.
Identifiers: ClinVar variation 1976286 (VCV001976286.5), dbSNP rs753641138, ClinGen allele CA9045674.
Genomic context (GRCh38, chr19:1,466,639, plus strand): 5'-GTGACTCCTCCCTGGAGGGGCTGGAGGAGGCCGGCCCCAGCGAGGCTGAGCTGGACAGCA[C>T]GTGGCGGGCGCCCGGGGCCACCTCGCTGCCCGTAGCCATTCCGGCTCCCCGGCGTAACCG-3'
Protein context (NP_005874.1, residues 1103-1123): AGPSEAELDS[Thr1113Met]WRAPGATSLP